The following is an entry in ClinVar:

NM_006172.4(NPPA):c.19A>G (p.Thr7Ala)

Genes: NPPA (natriuretic peptide A; minus strand), LOC114827827 (VISTA enhancer hs2123; plus strand). Cytogenetic location: 1p36.22.
Variant type: single nucleotide variant.
Coding change: c.19A>G on transcript NM_006172.4 (MANE Select); coding-DNA position 19, A replaced by G.
Protein change: p.Thr7Ala; replaces threonine 7 with alanine.
Molecular consequence: missense variant.
Genome position (GRCh38, 1-based): chr1:11,847,666, T>C on the plus strand (A>G on the coding strand, the complement: NPPA is on the minus strand). VCF-style: chr1-11847666-T-C. GRCh37 (hg19) VCF-style: chr1-11907723-T-C.
Other names: short protein forms T7A.
Identifiers: ClinVar variation 1011647 (VCV001011647.8), dbSNP rs138651597, ClinGen allele CA597135.

ClinVar aggregate classification (germline): Uncertain significance (1 of 4 stars; one submission).

Conditions:
Atrial fibrillation, familial, 6 (ATFB6). Identifiers: MedGen C2677294, MONDO:0012816, OMIM 612201.

Allele frequency attached by ClinVar (database versions not stated): gnomAD exomes 0.00002 and 0.00007; ExAC 0.00007; gnomAD 0.00034 and 0.00036; TOPMed 0.00035; ESP Exome Variant Server 0.00054.

Submission:

Labcorp Genetics (formerly Invitae), Labcorp
Classification: Uncertain significance for Atrial fibrillation, familial, 6. Last evaluated: 2025-12-02. Review status: criteria provided, single submitter. Criteria: Invitae Variant Classification Sherloc (09022015). Collection method: clinical testing. Allele origin: germline.
Comment: This sequence change replaces threonine, which is neutral and polar, with alanine, which is neutral and non-polar, at codon 7 of the NPPA protein (p.Thr7Ala). This variant is present in population databases (rs138651597, gnomAD 0.08%), and has an allele count higher than expected for a pathogenic variant. This variant has not been reported in the literature in individuals affected with NPPA-related conditions. ClinVar contains an entry for this variant (Variation ID: 1011647). Experimental studies and prediction algorithms are not available or were not evaluated, and the functional significance of this variant is currently unknown. In summary, the available evidence is currently insufficient to determine the role of this variant in disease. Therefore, it has been classified as a Variant of Uncertain Significance.